The following is an entry in ClinVar:

ClinVar aggregate classification (germline): Benign/Likely benign. Review status: criteria provided, multiple submitters, no conflicts (2 of 4 stars). 5 submissions from 5 submitters: Benign (3); Likely benign (2). Last evaluated 2026-02-03.

Conditions:
Koolen-de Vries syndrome (KDVS). Identifiers: Orphanet 96169, MedGen C1864871, MONDO:0012496, OMIM 610443.

Allele frequency attached by ClinVar (database versions not stated): gnomAD exomes 0.00018; ExAC 0.00026; ESP Exome Variant Server 0.00038; gnomAD 0.00069 and 0.00070; TOPMed 0.00069; 1000 Genomes Project 0.00120; 1000 Genomes Project 30x 0.00141.
gnomAD v4.1: 188 of 1,614,114 alleles (0.012%); highest among the groups gnomAD compares: African/African-American, 0.21%; no homozygotes.

Submissions (5):

Labcorp Genetics (formerly Invitae), Labcorp
Classification: Benign for Koolen-de Vries syndrome. Last evaluated: 2026-02-03. Review status: criteria provided, single submitter. Criteria: Invitae Variant Classification Sherloc (09022015). Collection method: clinical testing. Allele origin: germline.

CeGaT Center for Human Genetics Tuebingen
Classification: Likely benign. Last evaluated: 2025-11-01. Review status: criteria provided, single submitter. Criteria: CeGaT Center For Human Genetics Tuebingen Variant Classification Criteria Version 2. Collection method: clinical testing. Allele origin: germline. Affected: yes. Observed: 1 variant allele.
Comment: KANSL1: BP4, BP7

Fulgent Genetics
Classification: Likely benign for Koolen-de Vries syndrome. Last evaluated: 2021-10-23. Review status: criteria provided, single submitter. Criteria: ACMG Guidelines, 2015. Collection method: clinical testing. Allele origin: unknown.

Athena Diagnostics
Classification: Benign. Last evaluated: 2018-09-14. Review status: criteria provided, single submitter. Criteria: Athena Diagnostics Criteria. Collection method: clinical testing. Allele origin: germline.

GeneDx
Classification: Benign. Last evaluated: 2014-04-03. Review status: criteria provided, single submitter. Criteria: GeneDx Variant Classification (06012015). Collection method: clinical testing. Allele origin: germline. Affected: yes.
Comment: This variant is considered likely benign or benign based on one or more of the following criteria: it is a conservative change, it occurs at a poorly conserved position in the protein, it is predicted to be benign by multiple in silico algorithms, and/or has population frequency not consistent with disease.

NM_015443.4(KANSL1):c.1938C>T (p.Pro646=)

Gene: KANSL1 (KAT8 regulatory NSL complex subunit 1). Cytogenetic location: 17q21.31.
Variant type: single nucleotide variant.
Coding change: c.1938C>T on transcript NM_015443.4 (MANE Select); coding-DNA position 1938, C replaced by T.
Protein change: p.Pro646=; no amino-acid change (proline 646 retained).
Molecular consequence: synonymous variant.
Genome position (GRCh38, 1-based): chr17:46,050,615, G>A on the plus strand (C>T on the coding strand, the complement: KANSL1 is on the minus strand). VCF-style: chr17-46050615-G-A. GRCh37 (hg19) VCF-style: chr17-44127981-G-A.
Other names: p.P646P:CCC>CCT; c.1938C>T, p.Pro646= (NM_001193465.2, NM_001193466.2, NM_001379198.1).
Identifiers: ClinVar variation 137965 (VCV000137965.20), dbSNP rs371047711, ClinGen allele CA291697.